The following is an entry in ClinVar:

NM_018230.3(NUP133):c.2593A>G (p.Lys865Glu)

Gene: NUP133 (nucleoporin 133; minus strand). Cytogenetic location: 1q42.13.
Variant type: single nucleotide variant.
Coding change: c.2593A>G on transcript NM_018230.3 (MANE Select); coding-DNA position 2593, A replaced by G.
Protein change: p.Lys865Glu; replaces lysine 865 with glutamic acid.
Molecular consequence: missense variant.
Genome position (GRCh38, 1-based): chr1:229,463,635, T>C on the plus strand (A>G on the coding strand, the complement: NUP133 is on the minus strand). VCF-style: chr1-229463635-T-C. GRCh37 (hg19) VCF-style: chr1-229599382-T-C.
Other names: short protein forms K865E.
Identifiers: ClinVar variation 1960534 (VCV001960534.2), dbSNP rs534810481, ClinGen allele CA1443240.
Genomic context (GRCh38, chr1:229,463,635, plus strand): 5'-GTCGGCTCTGGTTGTCAGTCTGCTCACACATTTGTACCAATATATCAAAGTCACAGTATT[T>C]CTCTGCTAGAGAAGCAGCCCACAGGTACTGGCCTAGTGAAACTGTGGGAATGAGAAAAGA-3'
Protein context (NP_060700.2, residues 855-875): QYLWAASLAE[Lys865Glu]YCDFDILVQM

ClinVar aggregate classification (germline): Uncertain significance (1 of 4 stars; one submission).

Allele frequency attached by ClinVar (database versions not stated): gnomAD exomes below 0.00001; gnomAD 0.00002; ExAC 0.00003; 1000 Genomes Project 0.00040; 1000 Genomes Project 30x 0.00047.
gnomAD v4.1: 4 of 1,614,032 alleles (0.00025%); highest among the groups gnomAD compares: East Asian, 0.0089%; no homozygotes.

Submission:

Labcorp Genetics (formerly Invitae), Labcorp
Classification: Uncertain significance. Last evaluated: 2022-08-01. Review status: criteria provided, single submitter. Criteria: Invitae Variant Classification Sherloc (09022015). Collection method: clinical testing. Allele origin: germline.
Comment: This sequence change replaces lysine, which is basic and polar, with glutamic acid, which is acidic and polar, at codon 865 of the NUP133 protein (p.Lys865Glu). This variant is present in population databases (rs534810481, gnomAD 0.02%). This variant has not been reported in the literature in individuals affected with NUP133-related conditions. Algorithms developed to predict the effect of missense changes on protein structure and function are either unavailable or do not agree on the potential impact of this missense change (SIFT: "Deleterious"; PolyPhen-2: "Probably Damaging"; Align-GVGD: "Class C0"). In summary, the available evidence is currently insufficient to determine the role of this variant in disease. Therefore, it has been classified as a Variant of Uncertain Significance.